The following is an entry in ClinVar:

NM_080680.3(COL11A2):c.3181C>T (p.Arg1061Ter)

Gene: COL11A2 (collagen type XI alpha 2 chain; minus strand). Cytogenetic location: 6p21.32.
Variant type: single nucleotide variant.
Coding change: c.3181C>T on transcript NM_080680.3 (MANE Select); coding-DNA position 3181, C replaced by T.
Protein change: p.Arg1061Ter; replaces arginine 1061 with a stop codon.
Molecular consequence: nonsense.
Genome position (GRCh38, 1-based): chr6:33,171,544, G>A on the plus strand (C>T on the coding strand, the complement: COL11A2 is on the minus strand). VCF-style: chr6-33171544-G-A. GRCh37 (hg19) VCF-style: chr6-33139321-G-A.
Other names: c.3001C>T, p.Arg1001Ter (NM_001424108.1); c.2335C>T, p.Arg779Ter (NM_001424109.1); c.2155C>T, p.Arg719Ter (NM_001424110.1, NM_001424111.1); c.1135C>T, p.Arg379Ter (NM_001424112.1); c.2860C>T, p.Arg954Ter (NM_080679.3); c.2923C>T, p.Arg975Ter (NM_080681.3); c.3181C>T (NM_080680.2); short protein forms R379*, R719*, R1001*, R1061*, R954*, R779*, R975*.
Identifiers: ClinVar variation 2782616 (VCV002782616.6), dbSNP rs776576899, ClinGen allele CA3750610.
Genomic context (GRCh38, chr6:33,171,544, plus strand): 5'-CAGCCACACCTGGAGGCCCAGCAGGACCAGGAAGCCCCACAGGACCCTGCACTCCATCTC[G>A]GCCAGTCGGGCCAATGGGGCCCTTCTCACCCTGTGGGACAGGAGGAAGGAGTCATGGCCT-3'

ClinVar aggregate classification (germline): Pathogenic/Likely pathogenic. Review status: criteria provided, multiple submitters, no conflicts (2 of 4 stars). 4 submissions from 4 submitters: Pathogenic (3); Likely pathogenic (1). Last evaluated 2025-10-29.

Conditions:
COL11A2-related disorder. Also called: COL11A2-related disorders; COL11A2-related condition.

Allele frequency attached by ClinVar (database versions not stated): ExAC 0.00002.

Submissions (4):

PreventionGenetics, part of Exact Sciences
Classification: Pathogenic for COL11A2-related condition. Last evaluated: 2025-10-29. Review status: criteria provided, single submitter. Criteria: ACMG Guidelines, 2015. Collection method: clinical testing. Allele origin: germline.
Comment: The COL11A2 c.3181C>T variant is predicted to result in premature protein termination (p.Arg1061*). This variant has been reported the compound heterozygous state in an individual with skeletal dysplasia (Scocchia et al. 2021. PubMed ID: 34627339). This variant is reported in 0.0058% of alleles in individuals of Latino descent in gnomAD. Nonsense variants in COL11A2 are expected to be pathogenic. This variant is interpreted as pathogenic.

Laboratory of Genetics, Children's Clinical University Hospital Latvia
Classification: Pathogenic. Last evaluated: 2025-02-16. Review status: criteria provided, single submitter. Criteria: ACMG Guidelines, 2015. Collection method: clinical testing. Allele origin: germline. Affected: yes.

Labcorp Genetics (formerly Invitae), Labcorp
Classification: Pathogenic. Last evaluated: 2023-11-13. Review status: criteria provided, single submitter. Criteria: Invitae Variant Classification Sherloc (09022015). Collection method: clinical testing. Allele origin: germline.
Comment: This sequence change creates a premature translational stop signal (p.Arg1061*) in the COL11A2 gene. It is expected to result in an absent or disrupted protein product. Loss-of-function variants in COL11A2 are known to be pathogenic (PMID: 10677296, 21204229). This variant is present in population databases (rs776576899, gnomAD 0.006%). This premature translational stop signal has been observed in individual(s) with clinical features of COL11A2-related conditions (PMID: 34627339). For these reasons, this variant has been classified as Pathogenic.

Blueprint Genetics
Classification: Likely pathogenic for COL11A2-related disorders. Last evaluated: 2019-08-22. Review status: criteria provided, single submitter. Criteria: ACMG Guidelines, 2015. Collection method: clinical testing. Allele origin: germline. Affected: yes. Observed: 1 variant allele.

Literature cited by the submitters: PubMed 10677296 (cited by Labcorp Genetics (formerly Invitae), Labcorp); PubMed 21204229 (cited by Labcorp Genetics (formerly Invitae), Labcorp); PubMed 34627339 (cited by Labcorp Genetics (formerly Invitae), Labcorp).